The following is an entry in ClinVar:

ClinVar aggregate classification (germline): Conflicting classifications of pathogenicity. Review status: criteria provided, conflicting classifications (1 of 4 stars). 4 submissions from 4 submitters: Uncertain significance (3); Likely benign (1). Last evaluated 2025-09-19.

Conditions:
BRCA2-related cancer predisposition. Identifiers: MedGen CN377758, MONDO:0700269.
Hereditary breast ovarian cancer syndrome. Also called: BRCA1- and BRCA2-Associated Hereditary Breast and Ovarian Cancer; Hereditary breast and ovarian cancer syndrome; Hereditary breast and ovarian cancer; Hereditary breast and ovarian cancer syndrome (HBOC); Breast and ovarian cancer; Hereditary breast and/or ovarian cancer syndrome. Identifiers: Orphanet 145, MedGen C0677776, MeSH D061325, MONDO:0003582. Disease mechanism: loss of function.
Hereditary cancer-predisposing syndrome. Also called: Hereditary neoplastic syndrome; Hereditary Cancer Syndrome; Neoplastic Syndromes, Hereditary; Tumor predisposition. Identifiers: Orphanet 140162, MedGen C0027672, MeSH D009386, MONDO:0015356.

Submissions (4):

Ambry Genetics
Classification: Uncertain significance for Hereditary cancer-predisposing syndrome. Last evaluated: 2025-09-19. Review status: criteria provided, single submitter. Criteria: Ambry Variant Classification Scheme 2023. Collection method: clinical testing. Allele origin: germline.
Comment: The p.L1195M variant (also known as c.3583C>A), located in coding exon 10 of the BRCA2 gene, results from a C to A substitution at nucleotide position 3583. The leucine at codon 1195 is replaced by methionine, an amino acid with highly similar properties. This amino acid position is conserved. In addition, this alteration is predicted to be tolerated by in silico analysis. Based on the available evidence, the clinical significance of this variant remains unclear.

University of Washington Department of Laboratory Medicine, University of Washington
Classification: Likely benign for Hereditary cancer-predisposing syndrome. Last evaluated: 2023-03-23. Review status: criteria provided, single submitter. Criteria: Dines et al. (Genet Med. 2020). Collection method: curation. Allele origin: germline.
Comment: Missense variant in a coldspot region where missense variants are very unlikely to be pathogenic (PMID:31911673).

BRCA2 exon 11 coldspot. Reclassification based on statistical prior probability.

Labcorp Genetics (formerly Invitae), Labcorp
Classification: Uncertain significance for Hereditary breast ovarian cancer syndrome. Last evaluated: 2021-10-28. Review status: criteria provided, single submitter. Criteria: Invitae Variant Classification Sherloc (09022015). Collection method: clinical testing. Allele origin: germline.
Comment: Advanced modeling of protein sequence and biophysical properties (such as structural, functional, and spatial information, amino acid conservation, physicochemical variation, residue mobility, and thermodynamic stability) performed at Invitae indicates that this missense variant is not expected to disrupt BRCA2 protein function. ClinVar contains an entry for this variant (Variation ID: 236853). This variant has not been reported in the literature in individuals affected with BRCA2-related conditions. This variant is not present in population databases (gnomAD no frequency). This sequence change replaces leucine, which is neutral and non-polar, with methionine, which is neutral and non-polar, at codon 1195 of the BRCA2 protein (p.Leu1195Met). In summary, the available evidence is currently insufficient to determine the role of this variant in disease. Therefore, it has been classified as a Variant of Uncertain Significance.

Department of Pathology and Laboratory Medicine, Sinai Health System
Classification: Uncertain significance for BRCA2-related cancer predisposition. Last evaluated: 2021-09-09. Review status: criteria provided, single submitter. Criteria: ACMG Guidelines, 2015. Collection method: research. Allele origin: germline.

NM_000059.4(BRCA2):c.3583C>A (p.Leu1195Met)

Gene: BRCA2 (BRCA2 DNA repair associated; plus strand). Cytogenetic location: 13q13.1.
Variant type: single nucleotide variant.
Coding change: c.3583C>A on transcript NM_000059.4 (MANE Select); coding-DNA position 3583, C replaced by A.
Protein change: p.Leu1195Met; replaces leucine 1195 with methionine.
Molecular consequence: missense variant.
Genome position (GRCh38, 1-based): chr13:32,337,938, C>A. VCF-style: chr13-32337938-C-A. GRCh37 (hg19) VCF-style: chr13-32912075-C-A.
Other names: short protein forms L1195M.
Identifiers: ClinVar variation 236853 (VCV000236853.10), dbSNP rs878853571, ClinGen allele CA10583091.